The following is an entry in ClinVar:

NM_001128425.2(MUTYH):c.-37G>A

Genes: MUTYH (mutY DNA glycosylase; minus strand), TOE1 (target of EGR1, exonuclease; plus strand). Cytogenetic location: 1p34.1.
Variant type: single nucleotide variant.
Coding change: c.-37G>A on transcript NM_001128425.2 (MANE Plus Clinical); 37 bases upstream of the start codon, G replaced by A.
Molecular consequence: 5 prime UTR variant. On other transcripts: synonymous variant (1), non-coding transcript variant (3).
Genome position (GRCh38, 1-based): chr1:45,340,291, C>T on the plus strand (G>A on the coding strand, the complement: MUTYH is on the minus strand). VCF-style: chr1-45340291-C-T. GRCh37 (hg19) VCF-style: chr1-45805963-C-T.
Other names: c.39C>T, p.Pro13= (NM_025077.4); c.-79G>A (NM_001048171.2); c.-37G>A (NM_001293190.2, NM_001407069.1, NM_001407073.1 and 1 more transcripts); c.-291G>A (NM_001293192.2); c.-350G>A (NM_001350650.2); c.-286G>A (NM_001350651.2); c.-95G>A (NM_001407070.1, NM_001407071.1); c.-75G>A (NM_001407072.1).
Identifiers: ClinVar variation 509625 (VCV000509625.3), dbSNP rs749548330, ClinGen allele CA089495.

ClinVar aggregate classification (germline): Likely benign (1 of 4 stars; one submission).

Allele frequency attached by ClinVar (database versions not stated): TOPMed below 0.00001; ExAC 0.00001; gnomAD 0.00001.
gnomAD v4.1: 8 of 1,613,170 alleles (0.0005%); highest among the groups gnomAD compares: Non-Finnish European, 0.00068%; no homozygotes.

Submission:

GeneDx
Classification: Likely benign. Last evaluated: 2017-05-16. Review status: criteria provided, single submitter. Criteria: GeneDx Variant Classification (06012015). Collection method: clinical testing. Allele origin: germline. Affected: yes.
Comment: This variant is considered likely benign or benign based on one or more of the following criteria: it is a conservative change, it occurs at a poorly conserved position in the protein, it is predicted to be benign by multiple in silico algorithms, and/or has population frequency not consistent with disease.